The following is an entry in ClinVar:

ClinVar aggregate classification (germline): Benign. Review status: criteria provided, multiple submitters, no conflicts (2 of 4 stars). 7 submissions from 7 submitters: Benign (6). 1 of the submissions does not count toward it. Last evaluated 2026-02-03.

Conditions:
Cerebellar dysfunction with variable cognitive and behavioral abnormalities (CECBA). Also called: Nonprogressive cerebellar atxia with intellectual disability. Identifiers: Orphanet 314647, MedGen C3553661, MONDO:0013886, OMIM 614756.

Allele frequency attached by ClinVar (database versions not stated): ExAC 0.44496; 1000 Genomes Project 0.40016; 1000 Genomes Project 30x 0.40834; TOPMed 0.42408; ESP Exome Variant Server 0.42996.
gnomAD v4.1: 723,451 of 1,613,416 alleles (45%); highest among the groups gnomAD compares: Admixed American, 48%; 163,641 homozygotes.

Submissions (7):

Labcorp Genetics (formerly Invitae), Labcorp
Classification: Benign. Last evaluated: 2026-02-03. Review status: criteria provided, single submitter. Criteria: Invitae Variant Classification Sherloc (09022015). Collection method: clinical testing. Allele origin: germline.

Blueprint Genetics
Classification: Benign. Last evaluated: 2024-11-26. Review status: criteria provided, single submitter. Criteria: ACMG Guidelines, 2015. Collection method: clinical testing. Allele origin: germline.

Genome-Nilou Lab
Classification: Benign for Cerebellar dysfunction with variable cognitive and behavioral abnormalities. Last evaluated: 2023-04-11. Review status: criteria provided, single submitter. Criteria: ACMG Guidelines, 2015. Collection method: clinical testing. Allele origin: germline. Affected: no.

Mayo Clinic Laboratories, Mayo Clinic
Classification: Benign. Last evaluated: 2022-03-24. Review status: criteria provided, single submitter. Criteria: ACMG Guidelines, 2015. Collection method: clinical testing. Allele origin: germline. Observed: 329 variant alleles.

GeneDx
Classification: Benign. Last evaluated: 2018-08-21. Review status: criteria provided, single submitter. Criteria: GeneDx Variant Classification Process June 2021. Collection method: clinical testing. Allele origin: germline. Affected: yes.

Breakthrough Genomics
Classification: Benign. Review status: criteria provided, single submitter. Criteria: ACMG Guidelines, 2015. Collection method: not provided. Allele origin: germline. Inheritance: Autosomal dominant inheritance. Affected: yes.

Genetic Services Laboratory, University of Chicago
Classification: Likely benign for AllHighlyPenetrant. Review status: no assertion criteria provided. Collection method: clinical testing. Allele origin: germline. Inheritance: Autosomal dominant inheritance. Not counted in ClinVar's aggregate classification.
Comment: Likely benign based on allele frequency in 1000 Genomes Project or ESP global frequency and its presence in a patient with a rare or unrelated disease phenotype. NOT Sanger confirmed.

NM_015215.4(CAMTA1):c.1350G>A (p.Ser450=)

Gene: CAMTA1 (calmodulin binding transcription activator 1; plus strand). Cytogenetic location: 1p36.23.
Variant type: single nucleotide variant.
Coding change: c.1350G>A on transcript NM_015215.4 (MANE Select); coding-DNA position 1350, G replaced by A.
Protein change: p.Ser450=; no amino-acid change (serine 450 retained).
Molecular consequence: synonymous variant.
Genome position (GRCh38, 1-based): chr1:7,663,897, G>A. VCF-style: chr1-7663897-G-A. GRCh37 (hg19) VCF-style: chr1-7723957-G-A.
Other names: p.Ser450=; c.1260G>A, p.Ser420= (NM_001349608.2, NM_001349612.2); c.1350G>A, p.Ser450= (NM_001349609.2, NM_001349610.2).
Identifiers: ClinVar variation 128564 (VCV000128564.17), dbSNP rs12128526, ClinGen allele CA152132.